The following is an entry in ClinVar:

NM_000388.4(CASR):c.88G>C (p.Gly30Arg)

Gene: CASR (calcium sensing receptor; plus strand). Cytogenetic location: 3q21.1.
Variant type: single nucleotide variant.
Coding change: c.88G>C on transcript NM_000388.4 (MANE Select); coding-DNA position 88, G replaced by C.
Protein change: p.Gly30Arg; replaces glycine 30 with arginine.
Molecular consequence: missense variant.
Genome position (GRCh38, 1-based): chr3:122,254,277, G>C. VCF-style: chr3-122254277-G-C. GRCh37 (hg19) VCF-style: chr3-121973124-G-C.
Other names: c.88G>C, p.Gly30Arg (NM_001178065.2); short protein forms G30R.
Identifiers: ClinVar variation 2949036 (VCV002949036.4), dbSNP rs2074529480, ClinGen allele CA354362106.
Genomic context (GRCh38, chr3:122,254,277, plus strand): 5'-CTCTTGGCACTCACCTGGCACACCTCTGCCTACGGGCCAGACCAGCGAGCCCAAAAGAAG[G>C]GGGACATTATCCTTGGGGGGCTCTTTCCTATTCATTTTGGAGTAGCAGCTAAAGATCAAG-3'
Protein context (NP_000379.3, residues 20-40): YGPDQRAQKK[Gly30Arg]DIILGGLFPI

ClinVar aggregate classification (germline): Uncertain significance. Review status: criteria provided, single submitter (1 of 4 stars). 2 submissions from 2 submitters: Uncertain significance (1). 1 of the submissions does not count toward it. Last evaluated 2023-06-20.

Conditions:
Familial hypocalciuric hypercalcemia 1. Also called: Hypercalcemia, familial benign type 1. Identifiers: Orphanet 405, Orphanet 93372, MedGen C0342637, MONDO:0007791, OMIM 145980.
Autosomal dominant hypocalcemia 1 (HYPOC1). Also called: HYPOCALCEMIA, FAMILIAL. Identifiers: MedGen C3715128, MONDO:0011013, OMIM 601198.
Familial hypocalciuric hypercalcemia (FHH). Also called: Familial benign hypercalcemia. Identifiers: Orphanet 405, MedGen C1809471, MONDO:0018458.

Submissions (2):

Labcorp Genetics (formerly Invitae), Labcorp
Classification: Uncertain significance for Familial hypocalciuric hypercalcemia; Autosomal dominant hypocalcemia 1. Last evaluated: 2023-06-20. Review status: criteria provided, single submitter. Criteria: Invitae Variant Classification Sherloc (09022015). Collection method: clinical testing. Allele origin: germline.
Comment: This variant has not been reported in the literature in individuals affected with CASR-related conditions. This sequence change replaces glycine, which is neutral and non-polar, with arginine, which is basic and polar, at codon 30 of the CASR protein (p.Gly30Arg). This variant is not present in population databases (gnomAD no frequency). An algorithm developed to predict the effect of missense changes on protein structure and function (PolyPhen-2) suggests that this variant is likely to be disruptive. In summary, the available evidence is currently insufficient to determine the role of this variant in disease. Therefore, it has been classified as a Variant of Uncertain Significance.

Cardiovascular Genetics Laboratory, PathWest Laboratory Medicine WA - Fiona Stanley Hospital
Classification: Uncertain significance for Familial hypocalciuric hypercalcemia 1. Last evaluated: 2023-11-21. Review status: no assertion criteria provided. Criteria: ACMG Guidelines, 2015. Collection method: clinical testing. Allele origin: germline. Affected: yes. Not counted in ClinVar's aggregate classification.